The following is an entry in ClinVar:

NM_003743.5(NCOA1):c.1539G>A (p.Ser513=)

Gene: NCOA1 (nuclear receptor coactivator 1; plus strand). Cytogenetic location: 2p23.3.
Variant type: single nucleotide variant.
Coding change: c.1539G>A on transcript NM_003743.5 (MANE Select); coding-DNA position 1539, G replaced by A.
Protein change: p.Ser513=; no amino-acid change (serine 513 retained).
Molecular consequence: synonymous variant.
Genome position (GRCh38, 1-based): chr2:24,707,009, G>A. VCF-style: chr2-24707009-G-A. GRCh37 (hg19) VCF-style: chr2-24929878-G-A.
Other names: c.1539G>A, p.Ser513= (NM_001362950.1, NM_001362952.1, NM_001362954.1 and 3 more transcripts).
Identifiers: ClinVar variation 3053202 (VCV003053202.3), dbSNP rs147600225, ClinGen allele CA1552272.
Genomic context (GRCh38, chr2:24,707,009, plus strand): 5'-TACTTCTGGATTGGCAACAAGGCCCAGGATGCCAAACAATTCCTTTCCTCCTAATATTTC[G>A]ACATTAAGCTCTCCCGTTGGCATGACAAGTAGTGCCTGTAATAATAATAACCGATCTTAT-3'
Protein context (NP_003734.3, residues 503-523): MPNNSFPPNI[Ser513=]TLSSPVGMTS

ClinVar aggregate classification (germline): Likely benign. Review status: criteria provided, single submitter (1 of 4 stars). 2 submissions from 2 submitters: Likely benign (1). 1 of the submissions does not count toward it. Last evaluated 2024-11-10.

Conditions:
NCOA1-related disorder. Also called: NCOA1-related condition.

Allele frequency attached by ClinVar (database versions not stated): gnomAD exomes 0.00006; ExAC 0.00012; TOPMed 0.00031; gnomAD 0.00039; ESP Exome Variant Server 0.00062.
gnomAD v4.1: 143 of 1,613,918 alleles (0.0089%); highest among the groups gnomAD compares: African/African-American, 0.11%; no homozygotes.

Submissions (2):

Ambry Genetics
Classification: Likely benign. Last evaluated: 2024-11-10. Review status: criteria provided, single submitter. Criteria: Ambry Variant Classification Scheme 2023. Collection method: clinical testing. Allele origin: germline.

PreventionGenetics, part of Exact Sciences
Classification: Likely benign for NCOA1-related condition. Last evaluated: 2020-06-05. Review status: no assertion criteria provided. Collection method: clinical testing. Allele origin: germline. Not counted in ClinVar's aggregate classification.
Comment: This variant is classified as likely benign based on ACMG/AMP sequence variant interpretation guidelines (Richards et al. 2015 PMID: 25741868, with internal and published modifications).